The following is an entry in ClinVar:

NM_006393.3(NEBL):c.1123del (p.Tyr375fs)

Gene: NEBL (nebulette; minus strand). Cytogenetic location: 10p12.31.
Variant type: Deletion.
Coding change: c.1123del on transcript NM_006393.3 (MANE Select); coding-DNA position 1123, one base deleted (T; older notation c.1123delT).
Protein change: p.Tyr375fs; shifts the reading frame from tyrosine 375.
Molecular consequence: frameshift variant. On other transcripts: intron variant (9).
Genome position (GRCh38, 1-based): chr10:20,845,362, A deleted on the plus strand (T on the coding strand, the reverse complement: NEBL is on the minus strand); the first of 3 consecutive A bases (chr10:20,845,362-20,845,364); deleting any one gives the same sequence. VCF-style (leftmost placement, unchanged base first): chr10-20845361-TA-T. GRCh37 (hg19) VCF-style: chr10-21134290-TA-T.
Other names: c.250-32422del (NM_001377326.1, NM_001377327.1, NM_001377328.1); c.358-32422del (NM_213569.2, NM_001173484.2, NM_001377322.1); c.301-32422del (NM_001377324.1); c.292-32422del (NM_001377325.1); c.310-32422del (NM_001377323.1); short protein forms Y375fs.
Identifiers: ClinVar variation 2882325 (VCV002882325.3), dbSNP rs1480057730, ClinGen allele CA591874311.

ClinVar aggregate classification (germline): Uncertain significance (1 of 4 stars; one submission).

Conditions:
Primary dilated cardiomyopathy (DCM). Also called: Dilated Cardiomyopathy. Identifiers: Orphanet 217604, MedGen C0007193, MeSH D002311, MONDO:0005021, HP:0001644. Inheritance: Various modes of inheritance.

Submission:

Labcorp Genetics (formerly Invitae), Labcorp
Classification: Uncertain significance for Primary dilated cardiomyopathy. Last evaluated: 2023-05-05. Review status: criteria provided, single submitter. Criteria: Invitae Variant Classification Sherloc (09022015). Collection method: clinical testing. Allele origin: germline.
Comment: In summary, the available evidence is currently insufficient to determine the role of this variant in disease. Therefore, it has been classified as a Variant of Uncertain Significance. This variant has not been reported in the literature in individuals affected with NEBL-related conditions. This variant is present in population databases (no rsID available, gnomAD 0.007%). This sequence change creates a premature translational stop signal (p.Tyr375Thrfs*17) in the NEBL gene. It is expected to result in an absent or disrupted protein product. However, the current clinical and genetic evidence is not sufficient to establish whether loss-of-function variants in NEBL cause disease.